The following is an entry in ClinVar:

ClinVar aggregate classification (germline): Likely benign (1 of 4 stars; one submission).

gnomAD v4.1: 1 of 1,613,390 alleles (0.000062%); highest among the groups gnomAD compares: Non-Finnish European, 0.000085%; no homozygotes.

Submission:

CeGaT Center for Human Genetics Tuebingen
Classification: Likely benign. Last evaluated: 2025-02-01. Review status: criteria provided, single submitter. Criteria: CeGaT Center For Human Genetics Tuebingen Variant Classification Criteria Version 2. Collection method: clinical testing. Allele origin: germline. Affected: yes. Observed: 1 variant allele.
Comment: LRP1: BP4, BP7

NM_002332.3(LRP1):c.7164C>G (p.Ala2388=)

Gene: LRP1 (LDL receptor related protein 1; plus strand). Cytogenetic location: 12q13.3.
Variant type: single nucleotide variant.
Coding change: c.7164C>G on transcript NM_002332.3 (MANE Select); coding-DNA position 7164, C replaced by G.
Protein change: p.Ala2388=; no amino-acid change (alanine 2388 retained).
Molecular consequence: synonymous variant.
Genome position (GRCh38, 1-based): chr12:57,190,937, C>G. VCF-style: chr12-57190937-C-G. GRCh37 (hg19) VCF-style: chr12-57584720-C-G.
Identifiers: ClinVar variation 3770948 (VCV003770948.13).
Genomic context (GRCh38, chr12:57,190,937, plus strand): 5'-CCTGACCCTTATCGAGAAGGACATCCGTACCCCCAATGGCCTGGCCATCGACCACCGTGC[C>G]GAGAAGCTCTACTTCTCTGACGCCACCCTGGACAAGATCGAGCGGTGCGAGTATGACGGC-3'
Protein context (NP_002323.2, residues 2378-2398): TPNGLAIDHR[Ala2388=]EKLYFSDATL